The following is an entry in ClinVar:

ClinVar aggregate classification (germline): Uncertain significance (1 of 4 stars; one submission).

Submission:

GeneDx
Classification: Uncertain significance. Last evaluated: 2022-09-23. Review status: criteria provided, single submitter. Criteria: GeneDx Variant Classification Process June 2021. Collection method: clinical testing. Allele origin: germline. Affected: yes.
Comment: Not observed at significant frequency in large population cohorts (gnomAD); In silico analysis supports that this missense variant does not alter protein structure/function; Has not been previously published as pathogenic or benign to our knowledge

NM_001349338.3(FOXP1):c.1963G>A (p.Ala655Thr)

Gene: FOXP1 (forkhead box P1; minus strand). Cytogenetic location: 3p13.
Variant type: single nucleotide variant.
Coding change: c.1963G>A on transcript NM_001349338.3 (MANE Select); coding-DNA position 1963, G replaced by A.
Protein change: p.Ala655Thr; replaces alanine 655 with threonine.
Molecular consequence: missense variant. On other transcripts: non-coding transcript variant (2).
Genome position (GRCh38, 1-based): chr3:70,959,318, C>T on the plus strand (G>A on the coding strand, the complement: FOXP1 is on the minus strand). VCF-style: chr3-70959318-C-T. GRCh37 (hg19) VCF-style: chr3-71008469-C-T.
Other names: c.1960G>A, p.Ala654Thr (NM_001244808.3, NM_001349341.3); c.2011G>A, p.Ala671Thr (NM_001244810.2); c.1735G>A, p.Ala579Thr (NM_001244812.3); c.1663G>A, p.Ala555Thr (NM_001244813.3, NM_001244815.2, NM_001349342.3); c.1963G>A, p.Ala655Thr (NM_001244814.3, NM_001244816.2, NM_001349340.3 and 1 more transcripts); c.1660G>A, p.Ala554Thr (NM_001349337.2, NM_001349343.3, NM_001349344.3 and 1 more transcripts); short protein forms A554T, A555T, A579T, A654T, A655T, A671T.
Identifiers: ClinVar variation 1708852 (VCV001708852.2), dbSNP rs2106856969, ClinGen allele CA353488532.